The following is an entry in ClinVar:

NM_015378.4(VPS13D):c.12180G>C (p.Gln4060His)

Gene: VPS13D (vacuolar protein sorting 13 homolog D; plus strand). Cytogenetic location: 1p36.22.
Variant type: single nucleotide variant.
Coding change: c.12180G>C on transcript NM_015378.4 (MANE Select); coding-DNA position 12180, G replaced by C.
Protein change: p.Gln4060His; replaces glutamine 4060 with histidine.
Molecular consequence: missense variant.
Genome position (GRCh38, 1-based): chr1:12,416,674, G>C. VCF-style: chr1-12416674-G-C. GRCh37 (hg19) VCF-style: chr1-12476727-G-C.
Other names: c.12105G>C, p.Gln4035His (NM_018156.4); c.12180G>C (NM_015378.2); short protein forms Q4035H, Q4060H.
Identifiers: ClinVar variation 2149046 (VCV002149046.4), dbSNP rs772775762, ClinGen allele CA604162.

ClinVar aggregate classification (germline): Uncertain significance. Review status: criteria provided, multiple submitters, no conflicts (2 of 4 stars). 3 submissions from 3 submitters: Uncertain significance (3). Last evaluated 2025-08-26.

Conditions:
Inborn genetic diseases. Identifiers: MedGen C0950123, MeSH D030342.
Autosomal recessive cerebellar ataxia-saccadic intrusion syndrome. Also called: VPS13D Movement Disorder; SPINOCEREBELLAR ATAXIA 24. Identifiers: Orphanet 95434, MedGen C1846492, MONDO:0011811, OMIM 607317.

Allele frequency attached by ClinVar (database versions not stated): gnomAD 0.00003; TOPMed 0.00004; ExAC 0.00005.
gnomAD v4.1: 249 of 1,613,530 alleles (0.015%); highest among the groups gnomAD compares: Non-Finnish European, 0.02%; no homozygotes.

Submissions (3):

Clinical Genomics Laboratory, Washington University in St. Louis
Classification: Uncertain significance for Autosomal recessive cerebellar ataxia-saccadic intrusion syndrome. Last evaluated: 2025-08-26. Review status: criteria provided, single submitter. Criteria: ACMG Guidelines, 2015. Collection method: clinical testing. Allele origin: germline.
Comment: The VPS13D c.12180G>C (p.Gln4060His) variant, to our knowledge, has not been reported in the medical literature. This variant is only observed in 17/282,074 alleles in the general population (gnomAD v2.1.1), indicating it is not a common variant. Computational predictors are uncertain as to the impact of this variant on VPS13D function. This variant has been reported in the ClinVar database as a germline variant of uncertain significance by two submitters. Due to limited information, and based on ACMG/AMP guidelines for variant interpretation (Richards S et al., PMID: 25741868), the clinical significance of this variant is uncertain at this time.

Ambry Genetics
Classification: Uncertain significance for Inborn genetic diseases. Last evaluated: 2023-04-07. Review status: criteria provided, single submitter. Criteria: Ambry Variant Classification Scheme 2023. Collection method: clinical testing. Allele origin: germline.

Labcorp Genetics (formerly Invitae), Labcorp
Classification: Uncertain significance. Last evaluated: 2022-05-10. Review status: criteria provided, single submitter. Criteria: Invitae Variant Classification Sherloc (09022015). Collection method: clinical testing. Allele origin: germline.
Comment: This sequence change replaces glutamine, which is neutral and polar, with histidine, which is basic and polar, at codon 4060 of the VPS13D protein (p.Gln4060His). This variant is present in population databases (rs772775762, gnomAD 0.01%). This variant has not been reported in the literature in individuals affected with VPS13D-related conditions. Algorithms developed to predict the effect of missense changes on protein structure and function are either unavailable or do not agree on the potential impact of this missense change (SIFT: "Tolerated"; PolyPhen-2: "Probably Damaging"; Align-GVGD: "Class C0"). In summary, the available evidence is currently insufficient to determine the role of this variant in disease. Therefore, it has been classified as a Variant of Uncertain Significance.